The following is an entry in ClinVar:

NM_032737.4(LMNB2):c.1623C>A (p.Ser541Arg)

Gene: LMNB2 (lamin B2; minus strand). Cytogenetic location: 19p13.3.
Variant type: single nucleotide variant.
Coding change: c.1623C>A on transcript NM_032737.4 (MANE Select); coding-DNA position 1623, C replaced by A.
Protein change: p.Ser541Arg; replaces serine 541 with arginine.
Molecular consequence: missense variant.
Genome position (GRCh38, 1-based): chr19:2,431,870, G>T on the plus strand (C>A on the coding strand, the complement: LMNB2 is on the minus strand). VCF-style: chr19-2431870-G-T. GRCh37 (hg19) VCF-style: chr19-2431868-G-T.
Other names: short protein forms S541R.
Identifiers: ClinVar variation 2936041 (VCV002936041.3), dbSNP rs767477477, ClinGen allele CA9067400.

ClinVar aggregate classification (germline): Uncertain significance (1 of 4 stars; one submission).

Conditions:
Progressive myoclonic epilepsy type 9. Identifiers: Orphanet 457265, MedGen C4225289, MONDO:0014685, OMIM 616540.
Lipodystrophy, partial, acquired, susceptibility to (APLD). Also called: APLD, SUSCEPTIBILITY TO. Identifiers: MedGen C3887501, MONDO:0100476, OMIM 608709.

gnomAD v4.1: 1 of 1,612,916 alleles (0.000062%); highest among the groups gnomAD compares: East Asian, 0.0022%; no homozygotes.

Submission:

Labcorp Genetics (formerly Invitae), Labcorp
Classification: Uncertain significance for Progressive myoclonic epilepsy type 9; Lipodystrophy, partial, acquired, susceptibility to. Last evaluated: 2023-02-02. Review status: criteria provided, single submitter. Criteria: Invitae Variant Classification Sherloc (09022015). Collection method: clinical testing. Allele origin: germline.
Comment: In summary, the available evidence is currently insufficient to determine the role of this variant in disease. Therefore, it has been classified as a Variant of Uncertain Significance. Advanced modeling of protein sequence and biophysical properties (such as structural, functional, and spatial information, amino acid conservation, physicochemical variation, residue mobility, and thermodynamic stability) performed at Invitae indicates that this missense variant is not expected to disrupt LMNB2 protein function. This variant has not been reported in the literature in individuals affected with LMNB2-related conditions. This variant is present in population databases (rs767477477, gnomAD 0.002%). This sequence change replaces serine, which is neutral and polar, with arginine, which is basic and polar, at codon 541 of the LMNB2 protein (p.Ser541Arg).